The following is an entry in ClinVar:

ClinVar aggregate classification (germline): Uncertain significance (1 of 4 stars; one submission).

Conditions:
Generalized epilepsy with febrile seizures plus, type 7 (GEFSP7). Also called: GEFS+, TYPE 7. Identifiers: Orphanet 36387, MedGen C2751778, MONDO:0013470, OMIM 613863.
Neuropathy, hereditary sensory and autonomic, type 2A (HSAN2A). Also called: HSAN IIA; NEUROPATHY, CONGENITAL SENSORY; MORVAN DISEASE; NEUROPATHY, HEREDITARY SENSORY RADICULAR, AUTOSOMAL RECESSIVE; NEUROPATHY, HEREDITARY SENSORY, TYPE IIA; NEUROPATHY, PROGRESSIVE SENSORY, OF CHILDREN. Identifiers: Orphanet 970, MedGen C2752089, MONDO:0024309, OMIM 201300.

Submission:

Labcorp Genetics (formerly Invitae), Labcorp
Classification: Uncertain significance for Neuropathy, hereditary sensory and autonomic, type 2A; Generalized epilepsy with febrile seizures plus, type 7. Last evaluated: 2025-01-30. Review status: criteria provided, single submitter. Criteria: Invitae Variant Classification Sherloc (09022015). Collection method: clinical testing. Allele origin: germline.
Comment: This sequence change replaces methionine, which is neutral and non-polar, with threonine, which is neutral and polar, at codon 426 of the SCN9A protein (p.Met426Thr). This variant is not present in population databases (gnomAD no frequency). This variant has not been reported in the literature in individuals affected with SCN9A-related conditions. ClinVar contains an entry for this variant (Variation ID: 953237). Invitae Evidence Modeling of protein sequence and biophysical properties (such as structural, functional, and spatial information, amino acid conservation, physicochemical variation, residue mobility, and thermodynamic stability) indicates that this missense variant is not expected to disrupt SCN9A protein function with a negative predictive value of 95%. In summary, the available evidence is currently insufficient to determine the role of this variant in disease. Therefore, it has been classified as a Variant of Uncertain Significance.

NM_001365536.1(SCN9A):c.1277T>C (p.Met426Thr)

Genes: SCN1A-AS1 (SCN1A and SCN9A antisense RNA 1; plus strand), SCN9A (sodium voltage-gated channel alpha subunit 9; minus strand). Cytogenetic location: 2q24.3.
Variant type: single nucleotide variant.
Coding change: c.1277T>C on transcript NM_001365536.1 (MANE Select); coding-DNA position 1277, T replaced by C.
Protein change: p.Met426Thr; replaces methionine 426 with threonine.
Molecular consequence: missense variant.
Genome position (GRCh38, 1-based): chr2:166,288,474, A>G on the plus strand (T>C on the coding strand, the complement: SCN9A is on the minus strand). VCF-style: chr2-166288474-A-G. GRCh37 (hg19) VCF-style: chr2-167144984-A-G.
Other names: c.1277T>C, p.Met426Thr (NM_002977.4); short protein forms M426T.
Identifiers: ClinVar variation 953237 (VCV000953237.10), dbSNP rs200415928, ClinGen allele CA349085721.
Genomic context (GRCh38, chr2:166,288,474, plus strand): 5'-AATTTTAAATCAAATAACAGTACCTCAGCTTCTTCTTGCTCTTTTTTAAGACGGTCTAAC[A>G]TCTGTTGAAATTCTAATTCTTTCTGTTTAGCTTCTTCAATGTTTGCCTGGTTCTGTTCTT-3'
Protein context (NP_001352465.1, residues 416-436): AKQKELEFQQ[Met426Thr]LDRLKKEQEE